The following is an entry in ClinVar:

NM_194248.3(OTOF):c.898-6C>G

Gene: OTOF (otoferlin; minus strand). Cytogenetic location: 2p23.3.
Variant type: single nucleotide variant.
Coding change: c.898-6C>G on transcript NM_194248.3 (MANE Select); 6 bases into the intron before coding-DNA position 898, C replaced by G.
Molecular consequence: intron variant.
Genome position (GRCh38, 1-based): chr2:26,489,746, G>C on the plus strand (C>G on the coding strand, the complement: OTOF is on the minus strand). VCF-style: chr2-26489746-G-C. GRCh37 (hg19) VCF-style: chr2-26712614-G-C.
Other names: c.898-6C>G (NM_001287489.2).
Identifiers: ClinVar variation 796613 (VCV000796613.14), dbSNP rs199687628, ClinGen allele CA1564458.

ClinVar aggregate classification (germline): Conflicting classifications of pathogenicity. Review status: criteria provided, conflicting classifications (1 of 4 stars). 2 submissions from 2 submitters: Uncertain significance (1); Likely benign (1). Last evaluated 2026-01-25.

Allele frequency attached by ClinVar (database versions not stated): TOPMed 0.00021; gnomAD 0.00035; ESP Exome Variant Server 0.00046.
gnomAD v4.1: 363 of 1,610,760 alleles (0.023%); highest among the groups gnomAD compares: Non-Finnish European, 0.018%; 2 homozygotes.

Submissions (2):

Labcorp Genetics (formerly Invitae), Labcorp
Classification: Likely benign. Last evaluated: 2026-01-25. Review status: criteria provided, single submitter. Criteria: Invitae Variant Classification Sherloc (09022015). Collection method: clinical testing. Allele origin: germline.

GeneDx
Classification: Uncertain significance. Last evaluated: 2025-12-23. Review status: criteria provided, single submitter. Criteria: GeneDx Variant Classification Process June 2021. Collection method: clinical testing. Allele origin: germline. Affected: yes.
Comment: In silico analysis supports a deleterious effect on splicing; Has not been previously published as pathogenic or benign to our knowledge